The following is an entry in ClinVar:

NM_001035.3(RYR2):c.14591-4C>T

Gene: RYR2 (ryanodine receptor 2; plus strand). Cytogenetic location: 1q43.
Variant type: single nucleotide variant.
Coding change: c.14591-4C>T on transcript NM_001035.3 (MANE Select); 4 bases into the intron before coding-DNA position 14591, C replaced by T.
Molecular consequence: intron variant.
Genome position (GRCh38, 1-based): chr1:237,828,377, C>T. VCF-style: chr1-237828377-C-T. GRCh37 (hg19) VCF-style: chr1-237991677-C-T.
Identifiers: ClinVar variation 1157255 (VCV001157255.11), dbSNP rs1298987321, ClinGen allele CA733327217.
Genomic context (GRCh38, chr1:237,828,377, plus strand): 5'-TAGCCAAGGAACTGAATTATTCATTGCTTGATAAAGATTAAATTGTGTTTTTATTTAACA[C>T]CAGGTCTAATTATTGATGCTTTTGGAGAACTAAGAGACCAACAGGAACAAGTCAAAGAAG-3'

ClinVar aggregate classification (germline): Likely benign. Review status: criteria provided, multiple submitters, no conflicts (2 of 4 stars). 2 submissions from 2 submitters: Likely benign (2). Last evaluated 2025-03-09.

Conditions:
Catecholaminergic polymorphic ventricular tachycardia 1. Also called: VENTRICULAR TACHYCARDIA, CATECHOLAMINERGIC POLYMORPHIC, 1, WITH OR WITHOUT ATRIAL DYSFUNCTION AND/OR DILATED CARDIOMYOPATHY; VENTRICULAR TACHYCARDIA, STRESS-INDUCED POLYMORPHIC 1; RYR2-Related Catecholaminergic Polymorphic Ventricular Tachycardia. Identifiers: Orphanet 3286, MedGen C1631597, MONDO:0011484, OMIM 604772.
Catecholaminergic polymorphic ventricular tachycardia (CVPT). Also called: Catecholamine-induced polymorphic ventricular tachycardia. Identifiers: Orphanet 3286, MedGen C5574922, MONDO:0017990.

Allele frequency attached by ClinVar (database versions not stated): TOPMed below 0.00001; gnomAD 0.00001.

Submissions (2):

Labcorp Genetics (formerly Invitae), Labcorp
Classification: Likely benign for Catecholaminergic polymorphic ventricular tachycardia 1. Last evaluated: 2025-03-09. Review status: criteria provided, single submitter. Criteria: Invitae Variant Classification Sherloc (09022015). Collection method: clinical testing. Allele origin: germline.

All of Us Research Program, National Institutes of Health
Classification: Likely benign for Catecholaminergic polymorphic ventricular tachycardia. Last evaluated: 2023-06-26. Review status: criteria provided, single submitter. Criteria: ACMG Guidelines, 2015. Collection method: clinical testing. Allele origin: germline. Inheritance: Autosomal dominant inheritance. Observed: 1 variant allele, 1 heterozygote.
Comment: This study involves interpretation of variants in research participants for the purpose of population health screening. Participant phenotype was not available at the time of variant classification. Additional details can be found in publication PMID: 35346344, PMCID: PMC8962531